The following is an entry in ClinVar:

NM_022489.4(INF2):c.2409C>T (p.His803=)

Gene: INF2 (inverted formin 2; plus strand). Cytogenetic location: 14q32.33.
Variant type: single nucleotide variant.
Coding change: c.2409C>T on transcript NM_022489.4 (MANE Select); coding-DNA position 2409, C replaced by T.
Protein change: p.His803=; no amino-acid change (histidine 803 retained).
Molecular consequence: synonymous variant.
Genome position (GRCh38, 1-based): chr14:104,711,177, C>T. VCF-style: chr14-104711177-C-T. GRCh37 (hg19) VCF-style: chr14-105177514-C-T.
Other names: c.2409C>T, p.His803= (NM_001031714.4); c.2409C>T (NM_022489.3).
Identifiers: ClinVar variation 1603841 (VCV001603841.9), dbSNP rs767953575, ClinGen allele CA7372903.

ClinVar aggregate classification (germline): Likely benign. Review status: criteria provided, multiple submitters, no conflicts (2 of 4 stars). 2 submissions from 2 submitters: Likely benign (2). Last evaluated 2026-06-03.

Conditions:
INF2-related disorder. Also called: INF2-related condition.
Focal segmental glomerulosclerosis 5 (FSGS5). Identifiers: Orphanet 656, MedGen C2750475, MONDO:0013191, OMIM 613237.
Charcot-Marie-Tooth disease dominant intermediate E. Also called: CHARCOT-MARIE-TOOTH NEUROPATHY WITH FOCAL SEGMENTAL GLOMERULONEPHRITIS. Identifiers: Orphanet 93114, MedGen C4302667, MONDO:0013758, OMIM 614455.

Allele frequency attached by ClinVar (database versions not stated): gnomAD exomes 0.00003 and 0.00004; ExAC 0.00004; 1000 Genomes Project 30x 0.00016; gnomAD 0.00017 and 0.00020; TOPMed 0.00017.
gnomAD v4.1: 76 of 1,560,056 alleles (0.0049%); highest among the groups gnomAD compares: African/African-American, 0.072%; no homozygotes.

Submissions (2):

PreventionGenetics, part of Exact Sciences
Classification: Likely benign for INF2-related condition. Last evaluated: 2026-06-03. Review status: criteria provided, single submitter. Criteria: ACMG Guidelines, 2015. Collection method: clinical testing. Allele origin: germline.
Comment: This variant is classified as likely benign based on ACMG/AMP sequence variant interpretation guidelines (Richards et al. 2015 PMID: 25741868, with internal and published modifications).

Labcorp Genetics (formerly Invitae), Labcorp
Classification: Likely benign for Charcot-Marie-Tooth disease dominant intermediate E; Focal segmental glomerulosclerosis 5. Last evaluated: 2025-07-14. Review status: criteria provided, single submitter. Criteria: Invitae Variant Classification Sherloc (09022015). Collection method: clinical testing. Allele origin: germline.